The following is an entry in ClinVar:

NM_001042750.2(STAG2):c.1684A>G (p.Lys562Glu)

Gene: STAG2 (STAG2 cohesin complex component; plus strand). Cytogenetic location: Xq25.
Variant type: single nucleotide variant.
Coding change: c.1684A>G on transcript NM_001042750.2 (MANE Select); coding-DNA position 1684, A replaced by G.
Protein change: p.Lys562Glu; replaces lysine 562 with glutamic acid.
Molecular consequence: missense variant.
Genome position (GRCh38, 1-based): chrX:124,062,947, A>G. VCF-style: chrX-124062947-A-G. GRCh37 (hg19) VCF-style: chrX-123196797-A-G.
Other names: c.1684A>G, p.Lys562Glu (NM_001042749.2, NM_001042751.2, NM_001282418.2 and 13 more transcripts); short protein forms K562E.
Identifiers: ClinVar variation 3907974 (VCV003907974.1).
Genomic context (GRCh38, chrX:124,062,947, plus strand): 5'-TTTCTGTTCCTTTAGGTGCTTACAGCAAAGGAGAAGAAGACACAGTTGGATGATAGGACA[A>G]AAATCACTGAGCTTTTTGCCGTGGCCCTTCCTCAGTTATTAGCAAAAGTAAGTTTGTGTC-3'
Protein context (NP_001036215.1, residues 552-572): EKKTQLDDRT[Lys562Glu]ITELFAVALP

ClinVar aggregate classification (germline): Uncertain significance (1 of 4 stars; one submission).

Submission:

GeneDx
Classification: Uncertain significance. Last evaluated: 2024-12-26. Review status: criteria provided, single submitter. Criteria: GeneDx Variant Classification Process June 2021. Collection method: clinical testing. Allele origin: germline. Affected: yes.
Comment: Not observed at significant frequency in large population cohorts (gnomAD); In silico analysis supports that this missense variant has a deleterious effect on protein structure/function; Has not been previously published as pathogenic or benign to our knowledge